The following is an entry in ClinVar:

NM_000138.5(FBN1):c.2803T>G (p.Cys935Gly)

Gene: FBN1 (fibrillin 1; minus strand). Cytogenetic location: 15q21.1.
Variant type: single nucleotide variant.
Coding change: c.2803T>G on transcript NM_000138.5 (MANE Select); coding-DNA position 2803, T replaced by G.
Protein change: p.Cys935Gly; replaces cysteine 935 with glycine.
Molecular consequence: missense variant.
Genome position (GRCh38, 1-based): chr15:48,492,512, A>C on the plus strand (T>G on the coding strand, the complement: FBN1 is on the minus strand). VCF-style: chr15-48492512-A-C. GRCh37 (hg19) VCF-style: chr15-48784709-A-C.
Other names: c.2803T>G, p.Cys935Gly (NM_001406716.1); short protein forms C935G.
Identifiers: ClinVar variation 2016566 (VCV002016566.4), dbSNP rs2505564445, ClinGen allele CA392330606.

ClinVar aggregate classification (germline): Likely pathogenic (1 of 4 stars; one submission).

Conditions:
Familial thoracic aortic aneurysm and aortic dissection (TAAD). Also called: Thoracic aortic aneurysms and dissections. Identifiers: Orphanet 91387, MedGen C4707243, MONDO:0019625.
Marfan syndrome (MFS). Also called: MARFAN SYNDROME, TYPE I; Marfan syndrome type 1; Marfan's syndrome; Marfan syndrome, classic; FBN1-Related Marfan Syndrome. Identifiers: Orphanet 284963, Orphanet 558, MedGen C0024796, MONDO:0007947, OMIM 154700.

Submission:

Labcorp Genetics (formerly Invitae), Labcorp
Classification: Likely pathogenic for Marfan syndrome; Familial thoracic aortic aneurysm and aortic dissection. Last evaluated: 2022-07-13. Review status: criteria provided, single submitter. Criteria: Invitae Variant Classification Sherloc (09022015). Collection method: clinical testing. Allele origin: germline.
Comment: This variant affects a cysteine residue in the EGF-like, TGFBP or hybrid motif domains of FBN1. Cysteine residues are believed to be involved in intramolecular disulfide bridges and have been shown to be important for FBN1 protein structure (PMID: 16905551, 19349279). In addition, missense substitutions affecting cysteine residues within these domains are significantly overrepresented among patients with Marfan syndrome (PMID: 16571647, 17701892). In summary, the currently available evidence indicates that the variant is pathogenic, but additional data are needed to prove that conclusively. Therefore, this variant has been classified as Likely Pathogenic. Advanced modeling of protein sequence and biophysical properties (such as structural, functional, and spatial information, amino acid conservation, physicochemical variation, residue mobility, and thermodynamic stability) performed at Invitae indicates that this missense variant is expected to disrupt FBN1 protein function. This missense change has been observed in individual(s) with Marfan syndrome (Invitae). This variant is not present in population databases (gnomAD no frequency). This sequence change replaces cysteine, which is neutral and slightly polar, with glycine, which is neutral and non-polar, at codon 935 of the FBN1 protein (p.Cys935Gly).

Literature cited by the submitters: PubMed 16905551; PubMed 19349279; PubMed 16571647; PubMed 17701892.